The following is an entry in ClinVar:

ClinVar aggregate classification (germline): Likely benign. Review status: criteria provided, single submitter (1 of 4 stars). 2 submissions from 2 submitters: Likely benign (1). 1 of the submissions does not count toward it. Last evaluated 2018-07-11.

Conditions:
HIVEP1-related disorder. Also called: HIVEP1-related condition.

Allele frequency attached by ClinVar (database versions not stated): 1000 Genomes Project 0.00060; gnomAD 0.00060; ESP Exome Variant Server 0.00074; 1000 Genomes Project 30x 0.00078; TOPMed 0.00093.
gnomAD v4.1: 1,732 of 1,614,170 alleles (0.11%); highest among the groups gnomAD compares: Non-Finnish European, 0.13%; 2 homozygotes.

Submissions (5):

Labcorp Genetics (formerly Invitae), Labcorp
Classification: Likely benign. Last evaluated: 2018-07-11. Review status: criteria provided, single submitter. Criteria: Invitae Variant Classification Sherloc (09022015). Collection method: clinical testing. Allele origin: germline.

PreventionGenetics, part of Exact Sciences
Classification: Likely benign for HIVEP1-related condition. Last evaluated: 2022-02-26. Review status: no assertion criteria provided. Collection method: clinical testing. Allele origin: germline. Not counted in ClinVar's aggregate classification.
Comment: This variant is classified as likely benign based on ACMG/AMP sequence variant interpretation guidelines (Richards et al. 2015 PMID: 25741868, with internal and published modifications).

Dr. Peter K. Rogan Lab, Western University
No classification provided (evidence only). Condition: Lung cancer. Review status: no classification provided. Collection method: in vitro. Allele origin: not applicable. Functional consequence: retained intron. Not counted in ClinVar's aggregate classification.

Dr. Peter K. Rogan Lab, Western University
No classification provided (evidence only). Condition: Familial cancer of breast. Review status: no classification provided. Collection method: in vitro. Allele origin: not applicable. Functional consequence: retained intron. Not counted in ClinVar's aggregate classification.

Dr. Peter K. Rogan Lab, Western University
No classification provided (evidence only). Condition: Acute myeloid leukemia. Review status: no classification provided. Collection method: in vitro. Allele origin: not applicable. Functional consequence: retained intron. Not counted in ClinVar's aggregate classification.

NM_002114.4(HIVEP1):c.2672G>A (p.Gly891Glu)

Gene: HIVEP1 (HIVEP zinc finger 1; plus strand). Cytogenetic location: 6p24.1.
Variant type: single nucleotide variant.
Coding change: c.2672G>A on transcript NM_002114.4 (MANE Select); coding-DNA position 2672, G replaced by A.
Protein change: p.Gly891Glu; replaces glycine 891 with glutamic acid.
Molecular consequence: missense variant.
Genome position (GRCh38, 1-based): chr6:12,122,467, G>A. VCF-style: chr6-12122467-G-A. GRCh37 (hg19) VCF-style: chr6-12122700-G-A.
Other names: NC_000006.11:g.12122700G>A; short protein forms G891E.
Identifiers: ClinVar variation 732884 (VCV000732884.6), dbSNP rs140669739, ClinGen allele CA3637420.